The following is an entry in ClinVar:

NM_001195248.2(APTX):c.935_941delinsAAG (p.Leu312fs)

Gene: APTX (aprataxin; minus strand). Cytogenetic location: 9p21.1.
Variant type: Indel.
Coding change: c.935_941delinsAAG on transcript NM_001195248.2 (MANE Select); coding-DNA positions 935 to 941, TCTTGAA replaced by AAG.
Protein change: p.Leu312fs; shifts the reading frame from leucine 312.
Molecular consequence: frameshift variant. On other transcripts: 3 prime UTR variant (4), non-coding transcript variant (13).
Genome position (GRCh38, 1-based): chr9:32,973,586-32,973,592, TTCAAGA replaced by CTT on the plus strand (TCTTGAA replaced by AAG on the coding strand, the reverse complement: APTX is on the minus strand). VCF-style: chr9-32973586-TTCAAGA-CTT. GRCh37 (hg19) VCF-style: chr9-32973584-TTCAAGA-CTT.
Other names: c.935_941delinsAAG, p.Leu312fs (NM_001195249.2, NM_001368995.1, NM_001368996.1 and 3 more transcripts); c.773_779delinsAAG, p.Leu258fs (NM_001195250.2, NM_001195254.2, NM_001369000.1 and 1 more transcripts); c.*92_*98delinsAAG (NM_001195251.2, NM_001368999.1, NM_001369006.1 and 1 more transcripts); c.719_725delinsAAG, p.Leu240fs (NM_001195252.2); c.671_677delinsAAG, p.Leu224fs (NM_001369002.1, NM_001369003.1, NM_001369004.1 and 4 more transcripts); c.413_419delTCTTGAAinsAAG, p.Leu138Glnfs (NM_175071.1); c.935_941delTCTTGAAinsAAG, p.Leu312Glnfs (NM_175073.2); short protein forms L224fs, L240fs, L258fs, L312fs.
Identifiers: ClinVar variation 2663301 (VCV002663301.2), dbSNP rs2489293675, ClinGen allele CA2695201551.
Genomic context (GRCh38, chr9:32,973,586, plus strand): 5'-TCTTTCAGCTGAGGAATGGAAGGCAGCAGCTGCTGGCACTCATGACAACGAAGGGGCAGC[TTCAAGA>CTT]GCTCAGGCATCCCATCTCGGACAGTTACTCTACCAGCCTCTTGTACCATCTCGATCACAG-3'

ClinVar aggregate classification (germline): Conflicting classifications of pathogenicity. Review status: criteria provided, conflicting classifications (1 of 4 stars). 2 submissions from 2 submitters: Likely pathogenic (1); Uncertain significance (1). Last evaluated 2025-10-15.

Conditions:
Ataxia, early-onset, with oculomotor apraxia and hypoalbuminemia (EAOH). Also called: Ataxia-oculomotor apraxia type 1; ATAXIA-OCULOMOTOR APRAXIA SYNDROME; ATAXIA-TELANGIECTASIA-LIKE SYNDROME. Identifiers: Orphanet 1168, MedGen C1859598, MONDO:0008842, OMIM 208920.

Submissions (2):

3billion
Classification: Uncertain significance for Ataxia, early-onset, with oculomotor apraxia and hypoalbuminemia. Last evaluated: 2025-10-15. Review status: criteria provided, single submitter. Criteria: ACMG Guidelines, 2015. Collection method: clinical testing. Allele origin: germline. Affected: yes.
Comment: The variant is not observed in the gnomAD v4.1.0 dataset. Predicted Consequence/Location: Frameshift: predicted to result in a loss or disruption of normal protein function through protein truncation. The predicted truncated protein may be shortened by less than 10%. The variant has been reported to be associated with APTX-related disorder (ClinVar ID: VCV002663301). However, the evidence of pathogenicity is insufficient at this time. Therefore, this variant is classified as VUS according to the recommendation of ACMG/AMP guideline.

GeneDx
Classification: Likely pathogenic. Last evaluated: 2023-11-02. Review status: criteria provided, single submitter. Criteria: GeneDx Variant Classification Process June 2021. Collection method: clinical testing. Allele origin: germline. Affected: yes.
Comment: Frameshift variant predicted to result in protein truncation, as the last 31 amino acids are replaced with 19 different amino acids, and other loss-of-function variants have been reported downstream in the Human Gene Mutation Database (HGMD); Has not been previously published as pathogenic or benign to our knowledge; Not observed at significant frequency in large population cohorts (gnomAD)